The following is an entry in ClinVar:

NM_001271938.2(MEGF8):c.4359C>T (p.Cys1453=)

Gene: MEGF8 (multiple EGF like domains 8; plus strand). Cytogenetic location: 19q13.2.
Variant type: single nucleotide variant.
Coding change: c.4359C>T on transcript NM_001271938.2 (MANE Select); coding-DNA position 4359, C replaced by T.
Protein change: p.Cys1453=; no amino-acid change (cysteine 1453 retained).
Molecular consequence: synonymous variant.
Genome position (GRCh38, 1-based): chr19:42,355,972, C>T. VCF-style: chr19-42355972-C-T. GRCh37 (hg19) VCF-style: chr19-42860124-C-T.
Other names: c.4158C>T, p.Cys1386= (NM_001410.3).
Identifiers: ClinVar variation 769434 (VCV000769434.33), dbSNP rs369967292, ClinGen allele CA9475236.
Genomic context (GRCh38, chr19:42,355,972, plus strand): 5'-CCGATGTCCTCAGGGCTGGGCTGGCCCACACTGCCGCATGGCTCTGTGTCCTGAGAACTG[C>T]AATGCCCACACTGGGGCAGGAACTTGTAACCAGGTACAGGTGGGAGAGGGCAAGTCTGGT-3'
Protein context (NP_001258867.1, residues 1443-1463): HCRMALCPEN[Cys1453=]NAHTGAGTCN

ClinVar aggregate classification (germline): Benign/Likely benign. Review status: criteria provided, multiple submitters, no conflicts (2 of 4 stars). 3 submissions from 3 submitters: Benign (1); Likely benign (2). Last evaluated 2026-01-09.

Conditions:
MEGF8-related Carpenter syndrome. Also called: Carpenter syndrome 2. Identifiers: Orphanet 65759, MedGen C3554247, MONDO:0013998, OMIM 614976.

Allele frequency attached by ClinVar (database versions not stated): gnomAD 0.00001 and 0.00025; TOPMed 0.00002; gnomAD exomes 0.00035 and 0.00071; ExAC 0.00093; 1000 Genomes Project 30x 0.00109; 1000 Genomes Project 0.00120.

Submissions (3):

Labcorp Genetics (formerly Invitae), Labcorp
Classification: Benign for MEGF8-related Carpenter syndrome. Last evaluated: 2026-01-09. Review status: criteria provided, single submitter. Criteria: Invitae Variant Classification Sherloc (09022015). Collection method: clinical testing. Allele origin: germline.

Blueprint Genetics
Classification: Likely benign. Last evaluated: 2024-03-01. Review status: criteria provided, single submitter. Criteria: ACMG Guidelines, 2015. Collection method: clinical testing. Allele origin: germline.

CeGaT Center for Human Genetics Tuebingen
Classification: Likely benign. Last evaluated: 2023-06-01. Review status: criteria provided, single submitter. Criteria: CeGaT Center For Human Genetics Tuebingen Variant Classification Criteria Version 2. Collection method: clinical testing. Allele origin: germline. Affected: yes. Observed: 1 variant allele.
Comment: MEGF8: BP4, BP7